The following is an entry in ClinVar:

ClinVar aggregate classification (germline): Uncertain significance (1 of 4 stars; one submission).

gnomAD v4.1: 6 of 1,613,880 alleles (0.00037%); highest among the groups gnomAD compares: South Asian, 0.0066%; no homozygotes.

Submission:

Ambry Genetics
Classification: Uncertain significance. Last evaluated: 2024-11-06. Review status: criteria provided, single submitter. Criteria: Ambry Variant Classification Scheme 2023. Collection method: clinical testing. Allele origin: germline.
Comment: The p.N130S variant (also known as c.389A>G), located in coding exon 3 of the BUB3 gene, results from an A to G substitution at nucleotide position 389. The asparagine at codon 130 is replaced by serine, an amino acid with highly similar properties. This amino acid position is conserved. In addition, this alteration is predicted to be tolerated by in silico analysis. Based on the available evidence, the clinical significance of this variant remains unclear.

NM_004725.4(BUB3):c.389A>G (p.Asn130Ser)

Gene: BUB3 (BUB3 mitotic checkpoint protein; plus strand). Cytogenetic location: 10q26.13.
Variant type: single nucleotide variant.
Coding change: c.389A>G on transcript NM_004725.4 (MANE Select); coding-DNA position 389, A replaced by G.
Protein change: p.Asn130Ser; replaces asparagine 130 with serine.
Molecular consequence: missense variant.
Genome position (GRCh38, 1-based): chr10:123,157,852, A>G. VCF-style: chr10-123157852-A-G. GRCh37 (hg19) VCF-style: chr10-124917368-A-G.
Other names: c.389A>G, p.Asn130Ser (NM_001007793.3); short protein forms N130S.
Identifiers: ClinVar variation 3483266 (VCV003483266.1).